The following is an entry in ClinVar:

NM_138638.5(CFL2):c.276A>C (p.Lys92Asn)

Gene: CFL2 (cofilin 2; minus strand). Cytogenetic location: 14q13.1.
Variant type: single nucleotide variant.
Coding change: c.276A>C on transcript NM_138638.5 (MANE Select); coding-DNA position 276, A replaced by C.
Protein change: p.Lys92Asn; replaces lysine 92 with asparagine.
Molecular consequence: missense variant.
Genome position (GRCh38, 1-based): chr14:34,713,289, T>G on the plus strand (A>C on the coding strand, the complement: CFL2 is on the minus strand). VCF-style: chr14-34713289-T-G. GRCh37 (hg19) VCF-style: chr14-35182495-T-G.
Other names: c.225A>C, p.Lys75Asn (NM_001243645.2); c.276A>C, p.Lys92Asn (NM_021914.8); short protein forms K92N, K75N.
Identifiers: ClinVar variation 1377548 (VCV001377548.6), dbSNP rs1468647166, ClinGen allele CA389421576.

ClinVar aggregate classification (germline): Uncertain significance (1 of 4 stars; one submission).

Conditions:
Nemaline myopathy 7 (NEM7). Also called: Nemaline myopathy 7, autosomal recessive. Identifiers: Orphanet 171436, MedGen C1853154, MONDO:0012538, OMIM 610687.

Submission:

Labcorp Genetics (formerly Invitae), Labcorp
Classification: Uncertain significance for Nemaline myopathy 7. Last evaluated: 2021-08-25. Review status: criteria provided, single submitter. Criteria: Invitae Variant Classification Sherloc (09022015). Collection method: clinical testing. Allele origin: germline.
Comment: In summary, the available evidence is currently insufficient to determine the role of this variant in disease. Therefore, it has been classified as a Variant of Uncertain Significance. This sequence change replaces lysine with asparagine at codon 92 of the CFL2 protein (p.Lys92Asn). The lysine residue is highly conserved and there is a moderate physicochemical difference between lysine and asparagine. This variant has not been reported in the literature in individuals affected with CFL2-related conditions. Algorithms developed to predict the effect of missense changes on protein structure and function are either unavailable or do not agree on the potential impact of this missense change (SIFT: "Deleterious"; PolyPhen-2: "Benign"; Align-GVGD: "Class C65"). This variant is not present in population databases (ExAC no frequency).